The following is an entry in ClinVar:

NM_032888.4(COL27A1):c.2264G>A (p.Ser755Asn)

Gene: COL27A1 (collagen type XXVII alpha 1 chain; plus strand). Cytogenetic location: 9q32.
Variant type: single nucleotide variant.
Coding change: c.2264G>A on transcript NM_032888.4 (MANE Select); coding-DNA position 2264, G replaced by A.
Protein change: p.Ser755Asn; replaces serine 755 with asparagine.
Molecular consequence: missense variant.
Genome position (GRCh38, 1-based): chr9:114,206,292, G>A. VCF-style: chr9-114206292-G-A. GRCh37 (hg19) VCF-style: chr9-116968572-G-A.
Other names: short protein forms S755N.
Identifiers: ClinVar variation 1928047 (VCV001928047.2), dbSNP rs1829961718, ClinGen allele CA374600701.

ClinVar aggregate classification (germline): Uncertain significance (1 of 4 stars; one submission).

Allele frequency attached by ClinVar (database versions not stated): gnomAD exomes below 0.00001.
gnomAD v4.1: 5 of 1,614,146 alleles (0.00031%); highest among the groups gnomAD compares: Non-Finnish European, 0.00042%; no homozygotes.

Submission:

Labcorp Genetics (formerly Invitae), Labcorp
Classification: Uncertain significance. Last evaluated: 2021-02-04. Review status: criteria provided, single submitter. Criteria: Invitae Variant Classification Sherloc (09022015). Collection method: clinical testing. Allele origin: germline.
Comment: This sequence change replaces serine with asparagine at codon 755 of the COL27A1 protein (p.Ser755Asn). The serine residue is highly conserved and there is a small physicochemical difference between serine and asparagine. This variant is not present in population databases (ExAC no frequency). This variant has not been reported in the literature in individuals with COL27A1-related conditions. Advanced modeling of protein sequence and biophysical properties (such as structural, functional, and spatial information, amino acid conservation, physicochemical variation, residue mobility, and thermodynamic stability) performed at Invitae indicates that this missense variant is not expected to disrupt COL27A1 protein function. In summary, the available evidence is currently insufficient to determine the role of this variant in disease. Therefore, it has been classified as a Variant of Uncertain Significance.